The following is an entry in ClinVar:

ClinVar aggregate classification (germline): Uncertain significance (1 of 4 stars; one submission).

Conditions:
Hereditary cancer-predisposing syndrome. Also called: Hereditary Cancer Syndrome; Hereditary neoplastic syndrome; Neoplastic Syndromes, Hereditary; Tumor predisposition. Identifiers: Orphanet 140162, MedGen C0027672, MeSH D009386, MONDO:0015356.

Submission:

Ambry Genetics
Classification: Uncertain significance for Hereditary cancer-predisposing syndrome. Last evaluated: 2020-05-04. Review status: criteria provided, single submitter. Criteria: Ambry Variant Classification Scheme 2023. Collection method: clinical testing. Allele origin: germline.
Comment: The p.S450N variant (also known as c.1349G>A), located in coding exon 10 of the POLD1 gene, results from a G to A substitution at nucleotide position 1349. The serine at codon 450 is replaced by asparagine, an amino acid with highly similar properties. This amino acid position is not well conserved in available vertebrate species. In addition, this alteration is predicted to be tolerated by in silico analysis. Since supporting evidence is limited at this time, the clinical significance of this alteration remains unclear.

NM_002691.4(POLD1):c.1349G>A (p.Ser450Asn)

Gene: POLD1 (DNA polymerase delta 1, catalytic subunit; plus strand). Cytogenetic location: 19q13.33.
Variant type: single nucleotide variant.
Coding change: c.1349G>A on transcript NM_002691.4 (MANE Select); coding-DNA position 1349, G replaced by A.
Protein change: p.Ser450Asn; replaces serine 450 with asparagine.
Molecular consequence: missense variant. On other transcripts: non-coding transcript variant (1).
Genome position (GRCh38, 1-based): chr19:50,406,288, G>A. VCF-style: chr19-50406288-G-A. GRCh37 (hg19) VCF-style: chr19-50909545-G-A.
Other names: c.1349G>A, p.Ser450Asn (NM_001256849.1, NM_001308632.1); short protein forms S450N.
Identifiers: ClinVar variation 1770549 (VCV001770549.2), dbSNP rs2122320617, ClinGen allele CA406979922.